The following is an entry in ClinVar:

NM_001025356.3(ANO6):c.2529C>T (p.His843=)

Gene: ANO6 (anoctamin 6; plus strand). Cytogenetic location: 12q12.
Variant type: single nucleotide variant.
Coding change: c.2529C>T on transcript NM_001025356.3 (MANE Select); coding-DNA position 2529, C replaced by T.
Protein change: p.His843=; no amino-acid change (histidine 843 retained).
Molecular consequence: synonymous variant. On other transcripts: intron variant (1).
Genome position (GRCh38, 1-based): chr12:45,429,107, C>T. VCF-style: chr12-45429107-C-T. GRCh37 (hg19) VCF-style: chr12-45822890-C-T.
Other names: c.2475C>T, p.His825= (NM_001142678.2); c.2592C>T, p.His864= (NM_001204803.2); c.2496C>T, p.His832= (NM_001410973.1); c.2526+6045C>T (NM_001142679.2).
Identifiers: ClinVar variation 2888554 (VCV002888554.4), dbSNP rs772053672, ClinGen allele CA6525656.

ClinVar aggregate classification (germline): Conflicting classifications of pathogenicity. Review status: criteria provided, conflicting classifications (1 of 4 stars). 2 submissions from 2 submitters: Uncertain significance (1); Likely benign (1). Last evaluated 2026-03-30.

Allele frequency attached by ClinVar (database versions not stated): ExAC 0.00001; gnomAD exomes 0.00001; TOPMed 0.00005.
gnomAD v4.1: 28 of 1,613,122 alleles (0.0017%); highest among the groups gnomAD compares: Admixed American, 0.0083%; no homozygotes.

Submissions (2):

Women's Health and Genetics/Laboratory Corporation of America, LabCorp
Classification: Uncertain significance. Last evaluated: 2026-03-30. Review status: criteria provided, single submitter. Criteria: LabCorp Variant Classification Summary - May 2015. Collection method: clinical testing. Allele origin: germline.
Comment: Variant summary: ANO6 c.2529C>T (p.His843His) alters a nucleotide located close to a canonical splice site and therefore could affect mRNA splicing, leading to a significantly altered protein sequence. Consensus agreement among computation tools predict no significant impact on normal splicing. However, these predictions have yet to be confirmed by functional studies. The variant allele was found at a frequency of 8e-06 in 249164 control chromosomes. The available data on variant occurrences in the general population are insufficient to allow any conclusion about variant significance. To our knowledge, no occurrence of c.2529C>T in individuals affected with ANO6-related conditions and no experimental evidence demonstrating its impact on protein function have been reported. ClinVar contains an entry for this variant (Variation ID: 2888554). Based on the evidence outlined above, the variant was classified as uncertain significance.

Labcorp Genetics (formerly Invitae), Labcorp
Classification: Likely benign. Last evaluated: 2023-07-28. Review status: criteria provided, single submitter. Criteria: Invitae Variant Classification Sherloc (09022015). Collection method: clinical testing. Allele origin: germline.